The following is an entry in ClinVar:

ClinVar aggregate classification (germline): Benign/Likely benign. Review status: criteria provided, multiple submitters, no conflicts (2 of 4 stars). 5 submissions from 5 submitters: Benign (4); Likely benign (1). Last evaluated 2026-01-27.

Conditions:
Mitochondrial complex IV deficiency, nuclear type 4. Also called: Mitochondrial complex 4 deficiency, nuclear type 4. Identifiers: MedGen C5436683, MONDO:0033636, OMIM 619048.
Leigh syndrome (NULS). Also called: Leigh Disease; Subacute necrotizing encephalopathy; Necrotizing encephalopathy infantile subacute of Leigh; Leigh Syndrome (mtDNA deletion); Leigh's syndrome; LEIGH SYNDROME, NUCLEAR. Identifiers: Orphanet 506, MedGen C2931891, MONDO:0009723, OMIM 256000.

Allele frequency attached by ClinVar (database versions not stated): gnomAD exomes 0.00121 and 0.00334; ExAC 0.00419; 1000 Genomes Project 0.01078; 1000 Genomes Project 30x 0.01187; gnomAD 0.01217 and 0.01326; TOPMed 0.01383; ESP Exome Variant Server 0.01638.

Submissions (5):

Labcorp Genetics (formerly Invitae), Labcorp
Classification: Benign. Last evaluated: 2026-01-27. Review status: criteria provided, single submitter. Criteria: Invitae Variant Classification Sherloc (09022015). Collection method: clinical testing. Allele origin: germline.

Fulgent Genetics
Classification: Benign for Mitochondrial complex IV deficiency, nuclear type 4. Last evaluated: 2021-07-26. Review status: criteria provided, single submitter. Criteria: ACMG Guidelines, 2015. Collection method: clinical testing. Allele origin: unknown.

Illumina Laboratory Services, Illumina
Classification: Benign for Leigh syndrome. Last evaluated: 2018-01-13. Review status: criteria provided, single submitter. Criteria: ICSL Variant Classification Criteria 13 December 2019. Collection method: clinical testing. Allele origin: germline.
Comment: This variant was observed in the ICSL laboratory as part of a predisposition screen in an ostensibly healthy population. It had not been previously curated by ICSL or reported in the Human Gene Mutation Database (HGMD: prior to June 1st, 2018), and was therefore a candidate for classification through an automated scoring system. Utilizing variant allele frequency, disease prevalence and penetrance estimates, and inheritance mode, an automated score was calculated to assess if this variant is too frequent to cause the disease. Based on the score and internal cut-off values, a variant classified as benign is not then subjected to further curation. The score for this variant resulted in a classification of benign for this disease.

GeneDx
Classification: Benign. Last evaluated: 2014-04-17. Review status: criteria provided, single submitter. Criteria: GeneDx Variant Classification (06012015). Collection method: clinical testing. Allele origin: germline. Affected: yes.
Comment: This variant is considered likely benign or benign based on one or more of the following criteria: it is a conservative change, it occurs at a poorly conserved position in the protein, it is predicted to be benign by multiple in silico algorithms, and/or has population frequency not consistent with disease.

Breakthrough Genomics
Classification: Likely benign. Review status: criteria provided, single submitter. Criteria: ACMG Guidelines, 2015. Collection method: not provided. Allele origin: germline. Inheritance: Autosomal recessive inheritance. Affected: yes.

NM_004589.4(SCO1):c.297A>G (p.Ala99=)

Gene: SCO1 (synthesis of cytochrome C oxidase 1; minus strand). Cytogenetic location: 17p13.1.
Variant type: single nucleotide variant.
Coding change: c.297A>G on transcript NM_004589.4 (MANE Select); coding-DNA position 297, A replaced by G.
Protein change: p.Ala99=; no amino-acid change (alanine 99 retained).
Molecular consequence: synonymous variant.
Genome position (GRCh38, 1-based): chr17:10,695,808, T>C on the plus strand (A>G on the coding strand, the complement: SCO1 is on the minus strand). VCF-style: chr17-10695808-T-C. GRCh37 (hg19) VCF-style: chr17-10599125-T-C.
Other names: p.A99A:GCA>GCG.
Identifiers: ClinVar variation 139077 (VCV000139077.16), dbSNP rs11538237, ClinGen allele CA293429.
Genomic context (GRCh38, chr17:10,695,808, plus strand): 5'-CTTTTCTTTCTTGACGTGCTTCATTCCAGCCAGTAAAGCTCCTCCAATAGCAAATGTGAT[T>C]GCTAAAGACTTCCAGGAAACAGGCTACTGGGGCAGGGATTTCAAACATAAAAATTCTAGT-3'
Protein context (NP_004580.1, residues 89-109): KPGPVSWKSL[Ala99=]ITFAIGGALL